The following is an entry in ClinVar:

NM_001130144.3(LTBP3):c.2146G>T (p.Gly716Cys)

Genes: LTBP3 (latent transforming growth factor beta binding protein 3; minus strand), LOC130006030 (ATAC-STARR-seq lymphoblastoid silent region 3533; plus strand). Cytogenetic location: 11q13.1.
Variant type: single nucleotide variant.
Coding change: c.2146G>T on transcript NM_001130144.3 (MANE Select); coding-DNA position 2146, G replaced by T.
Protein change: p.Gly716Cys; replaces glycine 716 with cysteine.
Molecular consequence: missense variant.
Genome position (GRCh38, 1-based): chr11:65,546,882, C>A on the plus strand (G>T on the coding strand, the complement: LTBP3 is on the minus strand). VCF-style: chr11-65546882-C-A. GRCh37 (hg19) VCF-style: chr11-65314353-C-A.
Other names: c.1795G>T, p.Gly599Cys (NM_001164266.1); c.2146G>T, p.Gly716Cys (NM_021070.4); short protein forms G716C, G599C.
Identifiers: ClinVar variation 4732333 (VCV004732333.1).
Genomic context (GRCh38, chr11:65,546,882, plus strand): 5'-TGCGGTAGCCAGGCTGACAGGCGATGCACTTGAAGCTCCCGGGCTTGTTCTCGCATTTGC[C>A]ATCCGGGCAAGAGCTTGGGTCCCGGCACTCGTCGATGTCTGCACGGGAGGGAGAAGGAAG-3'
Protein context (NP_001123616.1, residues 706-726): ECRDPSSCPD[Gly716Cys]KCENKPGSFK

ClinVar aggregate classification (germline): Uncertain significance (1 of 4 stars; one submission).

Conditions:
Brachyolmia-amelogenesis imperfecta syndrome. Also called: PLATYSPONDYLY WITH AMELOGENESIS IMPERFECTA; Tooth agenesis, selective, 6; Dental anomalies and short stature. Identifiers: Orphanet 2899, MedGen C1832594, MONDO:0011018, OMIM 601216. Disease mechanism: loss of function.

Submission:

Labcorp Genetics (formerly Invitae), Labcorp
Classification: Uncertain significance for Brachyolmia-amelogenesis imperfecta syndrome. Last evaluated: 2025-12-10. Review status: criteria provided, single submitter. Criteria: Invitae Variant Classification Sherloc (09022015). Collection method: clinical testing. Allele origin: germline.
Comment: This sequence change replaces glycine, which is neutral and non-polar, with cysteine, which is neutral and slightly polar, at codon 716 of the LTBP3 protein (p.Gly716Cys). This variant is not present in population databases (gnomAD no frequency). This variant has not been reported in the literature in individuals affected with LTBP3-related conditions. An algorithm developed to predict the effect of missense changes on protein structure and function (PolyPhen-2) suggests that this variant is likely to be tolerated. In summary, the available evidence is currently insufficient to determine the role of this variant in disease. Therefore, it has been classified as a Variant of Uncertain Significance.